The following is an entry in ClinVar:

NM_000092.5(COL4A4):c.3321_3339dup (p.Arg1114fs)

Gene: COL4A4 (collagen type IV alpha 4 chain; minus strand). Cytogenetic location: 2q36.3.
Variant type: Duplication.
Coding change: c.3321_3339dup on transcript NM_000092.5 (MANE Select); coding-DNA positions 3321 to 3339, 19 bases duplicated (GCCTGGTATTCAAGGGCCC).
Protein change: p.Arg1114fs; shifts the reading frame from arginine 1114.
Molecular consequence: frameshift variant.
Genome position (GRCh38, 1-based): chr2:227,043,135-227,043,153, GGGCCCTTGAATACCAGGC duplicated on the plus strand (GCCTGGTATTCAAGGGCCC on the coding strand, the reverse complement: COL4A4 is on the minus strand). VCF-style (leftmost placement, unchanged base first): chr2-227043134-T-TGGGCCCTTGAATACCAGGC. GRCh37 (hg19) VCF-style: chr2-227907850-T-TGGGCCCTTGAATACCAGGC.
Other names: short protein forms R1114fs.
Identifiers: ClinVar variation 2834519 (VCV002834519.5), dbSNP rs2473717934, ClinGen allele CA2739278179.
Genomic context (GRCh38, chr2:227,043,134, plus strand): 5'-TACCTGGGCACCCTGGTGGTCCAGAGGAGCCAGGTGGCCCTGGCCTTCCAGGTGATCCTC[T>TGGGCCCTTGAATACCAGGC]GGGCCCTTGAATACCAGGCAAGCCCTGCTCTCCGGATGCTCCAAAATGCCCTAAAGAAGG-3'

ClinVar aggregate classification (germline): Pathogenic/Likely pathogenic. Review status: criteria provided, multiple submitters, no conflicts (2 of 4 stars). 3 submissions from 3 submitters: Pathogenic (2); Likely pathogenic (1). Last evaluated 2025-02-09.

Conditions:
COL4A4-related disorder.
Alport syndrome. Also called: Hemorrhagic familial nephritis; Hemorrhagic hereditary nephritis; Congenital hereditary hematuria. Identifiers: Orphanet 63, MedGen C1567741, MONDO:0018965.

Submissions (3):

Myriad Genetics, Inc.
Classification: Pathogenic for Alport syndrome. Last evaluated: 2025-02-09. Review status: criteria provided, single submitter. Criteria: Myriad Autosomal Dominant, Autosomal Recessive and X-Linked Classification Criteria (2023). Collection method: clinical testing. Allele origin: unknown.
Comment: NM_000092.4(COL4A4):c.3321_3339dup19(R1114Afs*27) is expected to be pathogenic in the context of Alport syndrome, COL4A4-related. This variant is predicted to lead to an abnormal or absent protein product due to the creation of a premature termination codon in COL4A4, a gene where loss-of-function variants are known to be pathogenic. Please note: this variant was assessed in the context of healthy population screening.

Labcorp Genetics (formerly Invitae), Labcorp
Classification: Pathogenic. Last evaluated: 2023-02-04. Review status: criteria provided, single submitter. Criteria: Invitae Variant Classification Sherloc (09022015). Collection method: clinical testing. Allele origin: germline.
Comment: For these reasons, this variant has been classified as Pathogenic. This variant has not been reported in the literature in individuals affected with COL4A4-related conditions. This variant is not present in population databases (gnomAD no frequency). This sequence change creates a premature translational stop signal (p.Arg1114Alafs*27) in the COL4A4 gene. It is expected to result in an absent or disrupted protein product. Loss-of-function variants in COL4A4 are known to be pathogenic (PMID: 21196518, 24854265, 25307543).

Blueprint Genetics
Classification: Likely pathogenic for COL4A4-related disorders. Last evaluated: 2018-09-05. Review status: criteria provided, single submitter. Criteria: ACMG Guidelines, 2015. Collection method: clinical testing. Allele origin: germline. Affected: yes. Observed: 1 variant allele.

Literature cited by the submitters: PubMed 21196518 (cited by Labcorp Genetics (formerly Invitae), Labcorp); PubMed 24854265 (cited by Labcorp Genetics (formerly Invitae), Labcorp); PubMed 25307543 (cited by Labcorp Genetics (formerly Invitae), Labcorp).